The following is an entry in ClinVar:

ClinVar aggregate classification (germline): Uncertain significance. Review status: criteria provided, multiple submitters, no conflicts (2 of 4 stars). 5 submissions from 5 submitters: Uncertain significance (5). Last evaluated 2024-03-07.

Conditions:
Catecholaminergic polymorphic ventricular tachycardia (CVPT). Also called: Catecholamine-induced polymorphic ventricular tachycardia. Identifiers: Orphanet 3286, MedGen C5574922, MONDO:0017990.
Cardiovascular phenotype. Identifiers: MedGen CN230736.
Catecholaminergic polymorphic ventricular tachycardia 1. Also called: VENTRICULAR TACHYCARDIA, CATECHOLAMINERGIC POLYMORPHIC, 1, WITH OR WITHOUT ATRIAL DYSFUNCTION AND/OR DILATED CARDIOMYOPATHY; RYR2-Related Catecholaminergic Polymorphic Ventricular Tachycardia; VENTRICULAR TACHYCARDIA, STRESS-INDUCED POLYMORPHIC 1. Identifiers: Orphanet 3286, MedGen C1631597, MONDO:0011484, OMIM 604772.
Cardiomyopathy (CMYO). Also called: Cardiomyopathies. Identifiers: Orphanet 167848, MedGen C0878544, MONDO:0004994, HP:0001638. Inheritance: Various modes of inheritance.

Allele frequency attached by ClinVar (database versions not stated): gnomAD exomes below 0.00001; ExAC 0.00001; gnomAD 0.00001.
gnomAD v4.1: 4 of 1,613,730 alleles (0.00025%); highest among the groups gnomAD compares: African/African-American, 0.0027%; no homozygotes.

Submissions (5):

Color Diagnostics, LLC DBA Color Health
Classification: Uncertain significance for Cardiomyopathy. Last evaluated: 2024-03-07. Review status: criteria provided, single submitter. Criteria: ACMG Guidelines, 2015. Collection method: clinical testing. Allele origin: germline.
Comment: This missense variant replaces threonine with isoleucine at codon 2510 of the RYR2 protein. Computational prediction suggests that this variant may have deleterious impact on protein structure and function (internally defined REVEL score threshold >= 0.7, PMID: 27666373). To our knowledge, functional studies have not been reported for this variant. This variant has not been reported in individuals affected with RYR2-related disorders in the literature. This variant has been identified in 2/280488 chromosomes in the general population by the Genome Aggregation Database (gnomAD). The available evidence is insufficient to determine the role of this variant in disease conclusively. Therefore, this variant is classified as a Variant of Uncertain Significance.

Labcorp Genetics (formerly Invitae), Labcorp
Classification: Uncertain significance for Catecholaminergic polymorphic ventricular tachycardia 1. Last evaluated: 2024-03-02. Review status: criteria provided, single submitter. Criteria: Invitae Variant Classification Sherloc (09022015). Collection method: clinical testing. Allele origin: germline.
Comment: This sequence change replaces threonine, which is neutral and polar, with isoleucine, which is neutral and non-polar, at codon 2510 of the RYR2 protein (p.Thr2510Ile). This variant is present in population databases (rs748865411, gnomAD 0.008%). This variant has not been reported in the literature in individuals affected with RYR2-related conditions. ClinVar contains an entry for this variant (Variation ID: 921323). Advanced modeling of protein sequence and biophysical properties (such as structural, functional, and spatial information, amino acid conservation, physicochemical variation, residue mobility, and thermodynamic stability) performed at Invitae indicates that this missense variant is expected to disrupt RYR2 protein function with a positive predictive value of 95%. Algorithms developed to predict the effect of sequence changes on RNA splicing suggest that this variant may disrupt the consensus splice site. In summary, the available evidence is currently insufficient to determine the role of this variant in disease. Therefore, it has been classified as a Variant of Uncertain Significance.

All of Us Research Program, National Institutes of Health
Classification: Uncertain significance for Catecholaminergic polymorphic ventricular tachycardia. Last evaluated: 2023-03-23. Review status: criteria provided, single submitter. Criteria: ACMG Guidelines, 2015. Collection method: clinical testing. Allele origin: germline. Inheritance: Autosomal dominant inheritance. Observed: 1 variant allele, 1 heterozygote.
Comment: Variant of Uncertain Significance due to insufficient evidence: This missense variant is located in the cytoplasmic domain of the RYR2 protein. Computational prediction tools and conservation analyses are inconclusive regarding the impact of this variant on the protein function. Computational splicing tools suggest that this variant may not impact RNA splicing. To our knowledge, functional assays have not been performed for this variant nor has this variant been reported in individuals affected with cardiovascular disorders in the literature. This variant has been identified in 2/276976 chromosomes in the general population by the Genome Aggregation Database (gnomAD). Available evidence is insufficient to determine the pathogenicity of this variant conclusively.

This study involves interpretation of variants in research participants for the purpose of population health screening. Participant phenotype was not available at the time of variant classification. Additional details can be found in publication PMID: 35346344, PMCID: PMC8962531

AiLife Diagnostics
Classification: Uncertain significance. Last evaluated: 2021-11-20. Review status: criteria provided, single submitter. Criteria: ACMG Guidelines, 2015. Collection method: clinical testing. Allele origin: germline. Affected: yes. Observed: 1 variant allele.

Ambry Genetics
Classification: Uncertain significance for Cardiovascular phenotype. Last evaluated: 2021-09-19. Review status: criteria provided, single submitter. Criteria: Ambry Variant Classification Scheme 2023. Collection method: clinical testing. Allele origin: germline.
Comment: The p.T2510I variant (also known as c.7529C>T), located in coding exon 50 of the RYR2 gene, results from a C to T substitution at nucleotide position 7529. The threonine at codon 2510 is replaced by isoleucine, an amino acid with similar properties. This amino acid position is highly conserved in available vertebrate species. In addition, this alteration is predicted to be deleterious by in silico analysis. Since supporting evidence is limited at this time, the clinical significance of this alteration remains unclear.

NM_001035.3(RYR2):c.7529C>T (p.Thr2510Ile)

Gene: RYR2 (ryanodine receptor 2; plus strand). Cytogenetic location: 1q43.
Variant type: single nucleotide variant.
Coding change: c.7529C>T on transcript NM_001035.3 (MANE Select); coding-DNA position 7529, C replaced by T.
Protein change: p.Thr2510Ile; replaces threonine 2510 with isoleucine.
Molecular consequence: missense variant.
Genome position (GRCh38, 1-based): chr1:237,649,893, C>T. VCF-style: chr1-237649893-C-T. GRCh37 (hg19) VCF-style: chr1-237813193-C-T.
Other names: c.7529C>T (NM_001035.2); short protein forms T2510I.
Identifiers: ClinVar variation 921323 (VCV000921323.11), dbSNP rs748865411, ClinGen allele CA087420.